The following is an entry in ClinVar:

ClinVar aggregate classification (germline): Uncertain significance. Review status: criteria provided, multiple submitters, no conflicts (2 of 4 stars). 2 submissions from 2 submitters: Uncertain significance (2). Last evaluated 2022-07-06.

Conditions:
Inborn genetic diseases. Identifiers: MedGen C0950123, MeSH D030342.

Allele frequency attached by ClinVar (database versions not stated): gnomAD 0.00001; gnomAD exomes 0.00001; TOPMed 0.00001; ExAC 0.00002.
gnomAD v4.1: 9 of 1,613,644 alleles (0.00056%); highest among the groups gnomAD compares: East Asian, 0.0022%; no homozygotes.

Submissions (2):

Labcorp Genetics (formerly Invitae), Labcorp
Classification: Uncertain significance. Last evaluated: 2022-07-06. Review status: criteria provided, single submitter. Criteria: Invitae Variant Classification Sherloc (09022015). Collection method: clinical testing. Allele origin: germline.
Comment: In summary, the available evidence is currently insufficient to determine the role of this variant in disease. Therefore, it has been classified as a Variant of Uncertain Significance. Algorithms developed to predict the effect of missense changes on protein structure and function are either unavailable or do not agree on the potential impact of this missense change (SIFT: "Not Available"; PolyPhen-2: "Probably Damaging"; Align-GVGD: "Not Available"). This variant has not been reported in the literature in individuals affected with PISD-related conditions. The frequency data for this variant in the population databases is considered unreliable, as metrics indicate poor data quality at this position in the gnomAD database. This sequence change replaces arginine, which is basic and polar, with histidine, which is basic and polar, at codon 136 of the PISD protein (p.Arg136His).

Ambry Genetics
Classification: Uncertain significance for Inborn genetic diseases. Last evaluated: 2021-08-02. Review status: criteria provided, single submitter. Criteria: Ambry Variant Classification Scheme 2023. Collection method: clinical testing. Allele origin: germline.

NM_001326411.2(PISD):c.407G>A (p.Arg136His)

Gene: PISD (phosphatidylserine decarboxylase; minus strand). Cytogenetic location: 22q12.2.
Variant type: single nucleotide variant.
Coding change: c.407G>A on transcript NM_001326411.2 (MANE Select); coding-DNA position 407, G replaced by A.
Protein change: p.Arg136His; replaces arginine 136 with histidine.
Molecular consequence: missense variant.
Genome position (GRCh38, 1-based): chr22:31,621,800, C>T on the plus strand (G>A on the coding strand, the complement: PISD is on the minus strand). VCF-style: chr22-31621800-C-T. GRCh37 (hg19) VCF-style: chr22-32017786-C-T.
Other names: c.344G>A, p.Arg115His (NM_001326412.1, NM_001326413.2, NM_001326414.2); c.305G>A, p.Arg102His (NM_001326415.2, NM_001326416.2, NM_001326417.2 and 3 more transcripts); c.227G>A, p.Arg76His (NM_001326418.2, NM_001326420.2); c.407G>A, p.Arg136His (NM_001326421.1); short protein forms R76H, R115H, R136H, R102H.
Identifiers: ClinVar variation 1981509 (VCV001981509.5), dbSNP rs768687189, ClinGen allele CA10194809.